The following is an entry in ClinVar:

ClinVar aggregate classification (germline): Uncertain significance (1 of 4 stars; one submission).

Conditions:
Hereditary cancer-predisposing syndrome. Also called: Tumor predisposition; Neoplastic Syndromes, Hereditary; Hereditary neoplastic syndrome; Hereditary Cancer Syndrome. Identifiers: Orphanet 140162, MedGen C0027672, MeSH D009386, MONDO:0015356.

Submission:

Ambry Genetics
Classification: Uncertain significance for Hereditary cancer-predisposing syndrome. Last evaluated: 2025-08-27. Review status: criteria provided, single submitter. Criteria: Ambry Variant Classification Scheme 2023. Collection method: clinical testing. Allele origin: germline.
Comment: The p.Q422H variant (also known as c.1266G>C), located in coding exon 13 of the MUTYH gene, results from a G to C substitution at nucleotide position 1266. The glutamine at codon 422 is replaced by histidine, an amino acid with highly similar properties. This amino acid position is conserved. In addition, this alteration is predicted to be tolerated by in silico analysis. Based on the available evidence, the clinical significance of this variant remains unclear.

NM_001048174.2(MUTYH):c.1182G>C (p.Gln394His)

Gene: MUTYH (mutY DNA glycosylase; minus strand). Cytogenetic location: 1p34.1.
Variant type: single nucleotide variant.
Coding change: c.1182G>C on transcript NM_001048174.2 (MANE Select); coding-DNA position 1182, G replaced by C.
Protein change: p.Gln394His; replaces glutamine 394 with histidine.
Molecular consequence: missense variant. On other transcripts: non-coding transcript variant (7).
Genome position (GRCh38, 1-based): chr1:45,331,477, C>G on the plus strand (G>C on the coding strand, the complement: MUTYH is on the minus strand). VCF-style: chr1-45331477-C-G. GRCh37 (hg19) VCF-style: chr1-45797149-C-G.
Other names: c.1185G>C, p.Gln395His (NM_001407078.1, NM_001407086.1, NM_001048172.2 and 1 more transcripts); c.1143G>C, p.Gln381His (NM_001407079.1); c.1140G>C, p.Gln380His (NM_001407080.1); c.1182G>C, p.Gln394His (NM_001407081.1, NM_001407088.1, NM_001048171.2 and 6 more transcripts); c.837G>C, p.Gln279His (NM_001407082.1, NM_001350650.2, NM_001350651.2); c.1224G>C, p.Gln408His (NM_001407083.1, NM_001407085.1); c.1203G>C, p.Gln401His (NM_001407087.1); c.1266G>C, p.Gln422His (NM_001128425.2); and 5 more; short protein forms Q419H, Q422H, Q302H, Q409H, Q380H, Q401H, Q405H, Q408H.
Identifiers: ClinVar variation 4113143 (VCV004113143.1).